The following is an entry in ClinVar:

NM_000501.4(ELN):c.612G>A (p.Leu204=)

Gene: ELN (elastin; plus strand). Cytogenetic location: 7q11.23.
Variant type: single nucleotide variant.
Coding change: c.612G>A on transcript NM_000501.4 (MANE Select); coding-DNA position 612, G replaced by A.
Protein change: p.Leu204=; no amino-acid change (leucine 204 retained).
Molecular consequence: synonymous variant.
Genome position (GRCh38, 1-based): chr7:74,046,736, G>A. VCF-style: chr7-74046736-G-A. GRCh37 (hg19) VCF-style: chr7-73461066-G-A.
Other names: c.582G>A, p.Leu194= (NM_001081752.3, NM_001278917.2); c.627G>A, p.Leu209= (NM_001081753.3, NM_001081754.3); c.612G>A, p.Leu204= (NM_001081755.3, NM_001278912.2, NM_001278915.2 and 2 more transcripts); c.546G>A, p.Leu182= (NM_001278913.2); c.597G>A, p.Leu199= (NM_001278914.2); c.480G>A, p.Leu160= (NM_001278918.2).
Identifiers: ClinVar variation 3050844 (VCV003050844.2), dbSNP rs370155634, ClinGen allele CA455883454.
Genomic context (GRCh38, chr7:74,046,736, plus strand): 5'-TGCTCTCTTTATTCCCACAGGAGTTGGACCCTTTGGGGGACCGCAACCTGGAGTCCCACT[G>A]GGGTATCCCATCAAGGCCCCCAAGCTGCCTGGTAAGTCAGAGGGACGGTTCAAGATGCAC-3'
Protein context (NP_000492.2, residues 194-214): PFGGPQPGVP[Leu204=]GYPIKAPKLP

ClinVar aggregate classification (germline): Likely benign (0 of 4 stars; one submission).

Conditions:
ELN-related disorder.

Allele frequency attached by ClinVar (database versions not stated): gnomAD exomes below 0.00001.
gnomAD v4.1: 2 of 1,614,166 alleles (0.00012%); highest among the groups gnomAD compares: East Asian, 0.0022%; no homozygotes.

Submission:

PreventionGenetics, part of Exact Sciences
Classification: Likely benign for ELN-related condition. Last evaluated: 2019-07-12. Review status: no assertion criteria provided. Collection method: clinical testing. Allele origin: germline.
Comment: This variant is classified as likely benign based on ACMG/AMP sequence variant interpretation guidelines (Richards et al. 2015 PMID: 25741868, with internal and published modifications).